The following is an entry in ClinVar:

NM_004336.5(BUB1):c.1738A>C (p.Thr580Pro)

Gene: BUB1 (BUB1 mitotic checkpoint serine/threonine kinase; minus strand). Cytogenetic location: 2q13.
Variant type: single nucleotide variant.
Coding change: c.1738A>C on transcript NM_004336.5 (MANE Select); coding-DNA position 1738, A replaced by C.
Protein change: p.Thr580Pro; replaces threonine 580 with proline.
Molecular consequence: missense variant.
Genome position (GRCh38, 1-based): chr2:110,655,877, T>G on the plus strand (A>C on the coding strand, the complement: BUB1 is on the minus strand). VCF-style: chr2-110655877-T-G. GRCh37 (hg19) VCF-style: chr2-111413454-T-G.
Other names: c.1678A>C, p.Thr560Pro (NM_001278616.2); c.1738A>C, p.Thr580Pro (NM_001278617.2); short protein forms T560P, T580P.
Identifiers: ClinVar variation 2562170 (VCV002562170.2), dbSNP rs1689919719, ClinGen allele CA348210991.

ClinVar aggregate classification (germline): Uncertain significance (1 of 4 stars; one submission).

Allele frequency attached by ClinVar (database versions not stated): TOPMed below 0.00001; gnomAD 0.00001.
gnomAD v4.1: 3 of 1,613,696 alleles (0.00019%); highest among the groups gnomAD compares: Non-Finnish European, 0.00017%; no homozygotes.

Submission:

Ambry Genetics
Classification: Uncertain significance. Last evaluated: 2023-06-01. Review status: criteria provided, single submitter. Criteria: Ambry Variant Classification Scheme 2023. Collection method: clinical testing. Allele origin: germline.
Comment: The p.T580P variant (also known as c.1738A>C), located in coding exon 16 of the BUB1 gene, results from an A to C substitution at nucleotide position 1738. The threonine at codon 580 is replaced by proline, an amino acid with highly similar properties. This amino acid position is conserved. In addition, the in silico prediction for this alteration is inconclusive. Since supporting evidence is limited at this time, the clinical significance of this alteration remains unclear.